The following is an entry in ClinVar:

ClinVar aggregate classification (germline): Uncertain significance (1 of 4 stars; one submission).

Conditions:
Epidermolysis bullosa simplex 5B, with muscular dystrophy (EBS5B). Also called: Epidermolysis bullosa simplex with muscular dystrophy; EPIDERMOLYSIS BULLOSA SIMPLEX AND LIMB-GIRDLE MUSCULAR DYSTROPHY. Identifiers: Orphanet 257, MedGen C2931072, MONDO:0009181, OMIM 226670.
Epidermolysis bullosa simplex 5C, with pyloric atresia (EBS5C). Also called: PLEC1-Related Epidermolysis Bullosa with Pyloric Atresia; Epidermolysis bullosa simplex with pyloric atresia; PLEC-Related Epidermolysis Bullosa with Pyloric Atresia. Identifiers: Orphanet 158684, MedGen C2677349, MONDO:0012807, OMIM 612138.
Epidermolysis bullosa simplex, Ogna type (EBS5A). Also called: Pidermolysis bullosa simplex 5A, Ogna type; EPIDERMOLYSIS BULLOSA SIMPLEX 5A, OGNA TYPE. Identifiers: Orphanet 79401, MedGen C0432317, MONDO:0007555, OMIM 131950.
Autosomal recessive limb-girdle muscular dystrophy type 2Q (LGMDR17). Also called: MUSCULAR DYSTROPHY, LIMB-GIRDLE, AUTOSOMAL RECESSIVE 17. Identifiers: Orphanet 254361, MedGen C3150989, MONDO:0013390, OMIM 613723.
Epidermolysis bullosa simplex with nail dystrophy (EBS5D). Identifiers: MedGen C4225309, MONDO:0014661, OMIM 616487.

Allele frequency attached by ClinVar (database versions not stated): gnomAD 0.00001; TOPMed 0.00001; gnomAD exomes 0.00002.
gnomAD v4.1: 35 of 1,612,726 alleles (0.0022%); highest among the groups gnomAD compares: African/African-American, 0.0027%; no homozygotes.

Submission:

Labcorp Genetics (formerly Invitae), Labcorp
Classification: Uncertain significance for Autosomal recessive limb-girdle muscular dystrophy type 2Q; Epidermolysis bullosa simplex, Ogna type; Epidermolysis bullosa simplex with nail dystrophy; Epidermolysis bullosa simplex 5C, with pyloric atresia; Epidermolysis bullosa simplex 5B, with muscular dystrophy. Last evaluated: 2025-02-13. Review status: criteria provided, single submitter. Criteria: Invitae Variant Classification Sherloc (09022015). Collection method: clinical testing. Allele origin: germline.
Comment: This sequence change replaces arginine, which is basic and polar, with histidine, which is basic and polar, at codon 4225 of the PLEC protein (p.Arg4225His). This variant is present in population databases (rs782499153, gnomAD 0.008%). This variant has not been reported in the literature in individuals affected with PLEC-related conditions. ClinVar contains an entry for this variant (Variation ID: 854681). Invitae Evidence Modeling of protein sequence and biophysical properties (such as structural, functional, and spatial information, amino acid conservation, physicochemical variation, residue mobility, and thermodynamic stability) has been performed for this missense variant. However, the output from this modeling did not meet the statistical confidence thresholds required to predict the impact of this variant on PLEC protein function. In summary, the available evidence is currently insufficient to determine the role of this variant in disease. Therefore, it has been classified as a Variant of Uncertain Significance.

NM_201384.3(PLEC):c.12593G>A (p.Arg4198His)

Gene: PLEC (plectin; minus strand). Cytogenetic location: 8q24.3.
Variant type: single nucleotide variant.
Coding change: c.12593G>A on transcript NM_201384.3 (MANE Select); coding-DNA position 12593, G replaced by A.
Protein change: p.Arg4198His; replaces arginine 4198 with histidine.
Molecular consequence: missense variant.
Genome position (GRCh38, 1-based): chr8:143,917,228, C>T on the plus strand (G>A on the coding strand, the complement: PLEC is on the minus strand). VCF-style: chr8-143917228-C-T. GRCh37 (hg19) VCF-style: chr8-144991396-C-T.
Other names: c.12674G>A, p.Arg4225His (NM_000445.5); c.12551G>A, p.Arg4184His (NM_201378.4); c.12527G>A, p.Arg4176His (NM_201379.3); c.13004G>A, p.Arg4335His (NM_201380.4); c.12497G>A, p.Arg4166His (NM_201381.3); c.12593G>A, p.Arg4198His (NM_201382.4); c.12605G>A, p.Arg4202His (NM_201383.3); short protein forms R4166H, R4176H, R4184H, R4335H, R4198H, R4202H, R4225H.
Identifiers: ClinVar variation 854681 (VCV000854681.10), dbSNP rs782499153, ClinGen allele CA4924042.